The following is an entry in ClinVar:

ClinVar aggregate classification (germline): Uncertain significance (1 of 4 stars; one submission).

Conditions:
Cardiovascular phenotype. Identifiers: MedGen CN230736.

Submission:

Ambry Genetics
Classification: Uncertain significance for Cardiovascular phenotype. Last evaluated: 2023-05-21. Review status: criteria provided, single submitter. Criteria: Ambry Variant Classification Scheme 2023. Collection method: clinical testing. Allele origin: germline.
Comment: The p.D557E variant (also known as c.1671C>G), located in coding exon 13 of the CACNB2 gene, results from a C to G substitution at nucleotide position 1671. The aspartic acid at codon 557 is replaced by glutamic acid, an amino acid with highly similar properties. This amino acid position is not well conserved in available vertebrate species, and glutamic acid is the reference amino acid in other vertebrate species. In addition, this alteration is predicted to be tolerated by in silico analysis. Since supporting evidence is limited at this time, the clinical significance of this alteration remains unclear.

NM_201596.3(CACNB2):c.1833C>G (p.Asp611Glu)

Gene: CACNB2 (calcium voltage-gated channel auxiliary subunit beta 2; plus strand). Cytogenetic location: 10p12.31.
Variant type: single nucleotide variant.
Coding change: c.1833C>G on transcript NM_201596.3 (MANE Select); coding-DNA position 1833, C replaced by G.
Protein change: p.Asp611Glu; replaces aspartic acid 611 with glutamic acid.
Molecular consequence: missense variant.
Genome position (GRCh38, 1-based): chr10:18,539,574, C>G. VCF-style: chr10-18539574-C-G. GRCh37 (hg19) VCF-style: chr10-18828503-C-G.
Other names: c.1668C>G, p.Asp556Glu (NM_000724.4); c.1635C>G, p.Asp545Glu (NM_001167945.2); c.1554C>G, p.Asp518Glu (NM_001330060.2); c.1575C>G, p.Asp525Glu (NM_001410882.1); c.1689C>G, p.Asp563Glu (NM_201570.3); c.1749C>G, p.Asp583Glu (NM_201571.4); c.1677C>G, p.Asp559Glu (NM_201572.4); c.1671C>G, p.Asp557Glu (NM_201590.3); and 2 more; short protein forms D556E, D573E, D583E, D559E, D587E, D518E, D525E, D545E.
Identifiers: ClinVar variation 1777699 (VCV001777699.3), dbSNP rs777607595, ClinGen allele CA376072508.